The following is an entry in ClinVar:

ClinVar aggregate classification (germline): Uncertain significance. Review status: criteria provided, multiple submitters, no conflicts (2 of 4 stars). 2 submissions from 2 submitters: Uncertain significance (2). Last evaluated 2024-10-11.

Allele frequency attached by ClinVar (database versions not stated): gnomAD exomes below 0.00001.
gnomAD v4.1: 2 of 1,603,118 alleles (0.00012%); highest among the groups gnomAD compares: Non-Finnish European, 0.00017%; no homozygotes.

Submissions (2):

Blueprint Genetics
Classification: Uncertain significance. Last evaluated: 2024-10-11. Review status: criteria provided, single submitter. Criteria: ACMG Guidelines, 2015. Collection method: clinical testing. Allele origin: germline.

Labcorp Genetics (formerly Invitae), Labcorp
Classification: Uncertain significance. Last evaluated: 2022-08-23. Review status: criteria provided, single submitter. Criteria: Invitae Variant Classification Sherloc (09022015). Collection method: clinical testing. Allele origin: germline.
Comment: This sequence change replaces valine, which is neutral and non-polar, with methionine, which is neutral and non-polar, at codon 61 of the CERKL protein (p.Val61Met). This variant is not present in population databases (gnomAD no frequency). This variant has not been reported in the literature in individuals affected with CERKL-related conditions. ClinVar contains an entry for this variant (Variation ID: 1355737). Algorithms developed to predict the effect of missense changes on protein structure and function output the following: SIFT: "Tolerated"; PolyPhen-2: "Probably Damaging"; Align-GVGD: "Class C0". The methionine amino acid residue is found in multiple mammalian species, which suggests that this missense change does not adversely affect protein function. In summary, the available evidence is currently insufficient to determine the role of this variant in disease. Therefore, it has been classified as a Variant of Uncertain Significance.

NM_201548.5(CERKL):c.181G>A (p.Val61Met)

Genes: CERKL (CERK like autophagy regulator; minus strand), LOC129935214 (ATAC-STARR-seq lymphoblastoid silent region 12157; plus strand). Cytogenetic location: 2q31.3.
Variant type: single nucleotide variant.
Coding change: c.181G>A on transcript NM_201548.5 (MANE Select); coding-DNA position 181, G replaced by A.
Protein change: p.Val61Met; replaces valine 61 with methionine.
Molecular consequence: missense variant. On other transcripts: non-coding transcript variant (2).
Genome position (GRCh38, 1-based): chr2:181,656,826, C>T on the plus strand (G>A on the coding strand, the complement: CERKL is on the minus strand). VCF-style: chr2-181656826-C-T. GRCh37 (hg19) VCF-style: chr2-182521553-C-T.
Other names: c.181G>A, p.Val61Met (NM_001030311.3, NM_001030312.3, NM_001030313.3 and 1 more transcripts); short protein forms V61M.
Identifiers: ClinVar variation 1355737 (VCV001355737.4), dbSNP rs2105567812, ClinGen allele CA349744379.